The following is an entry in ClinVar:

ClinVar aggregate classification (germline): Uncertain significance (1 of 4 stars; one submission).

gnomAD v4.1: 3 of 1,608,610 alleles (0.00019%); highest among the groups gnomAD compares: Non-Finnish European, 0.00025%; no homozygotes.

Submission:

Ambry Genetics
Classification: Uncertain significance. Last evaluated: 2024-02-10. Review status: criteria provided, single submitter. Criteria: Ambry Variant Classification Scheme 2023. Collection method: clinical testing. Allele origin: germline.
Comment: The p.H528R variant (also known as c.1583A>G), located in coding exon 14 of the BUB1 gene, results from an A to G substitution at nucleotide position 1583. The histidine at codon 528 is replaced by arginine, an amino acid with highly similar properties. This amino acid position is conserved. In addition, this alteration is predicted to be tolerated by in silico analysis. Based on the available evidence, the clinical significance of this alteration remains unclear.

NM_004336.5(BUB1):c.1583A>G (p.His528Arg)

Gene: BUB1 (BUB1 mitotic checkpoint serine/threonine kinase; minus strand). Cytogenetic location: 2q13.
Variant type: single nucleotide variant.
Coding change: c.1583A>G on transcript NM_004336.5 (MANE Select); coding-DNA position 1583, A replaced by G.
Protein change: p.His528Arg; replaces histidine 528 with arginine.
Molecular consequence: missense variant.
Genome position (GRCh38, 1-based): chr2:110,657,579, T>C on the plus strand (A>G on the coding strand, the complement: BUB1 is on the minus strand). VCF-style: chr2-110657579-T-C. GRCh37 (hg19) VCF-style: chr2-111415156-T-C.
Other names: c.1523A>G, p.His508Arg (NM_001278616.2); c.1583A>G, p.His528Arg (NM_001278617.2); short protein forms H508R, H528R.
Identifiers: ClinVar variation 3224012 (VCV003224012.1), dbSNP rs747685408, ClinGen allele CA1828040.